The following is an entry in ClinVar:

NM_000443.4(ABCB4):c.1007T>C (p.Val336Ala)

Gene: ABCB4 (ATP binding cassette subfamily B member 4; minus strand). Cytogenetic location: 7q21.12.
Variant type: single nucleotide variant.
Coding change: c.1007T>C on transcript NM_000443.4 (MANE Select); coding-DNA position 1007, T replaced by C.
Protein change: p.Val336Ala; replaces valine 336 with alanine.
Molecular consequence: missense variant.
Genome position (GRCh38, 1-based): chr7:87,444,974, A>G on the plus strand (T>C on the coding strand, the complement: ABCB4 is on the minus strand). VCF-style: chr7-87444974-A-G. GRCh37 (hg19) VCF-style: chr7-87074290-A-G.
Other names: p.Val336Ala; c.1007T>C, p.Val336Ala (NM_018849.3, NM_018850.3); short protein forms V336A.
Identifiers: ClinVar variation 2682976 (VCV002682976.1), dbSNP rs1419334113, ClinGen allele CA368048209.

ClinVar aggregate classification (germline): Uncertain significance (1 of 4 stars; one submission).

Allele frequency attached by ClinVar (database versions not stated): TOPMed below 0.00001.

Submission:

Mayo Clinic Laboratories, Mayo Clinic
Classification: Uncertain significance. Last evaluated: 2022-07-25. Review status: criteria provided, single submitter. Criteria: ACMG Guidelines, 2015. Collection method: clinical testing. Allele origin: germline. Observed: 1 variant allele.
Comment: PP3